The following is an entry in ClinVar:

NM_015338.6(ASXL1):c.2807C>A (p.Thr936Asn)

Gene: ASXL1 (ASXL transcriptional regulator 1; plus strand). Cytogenetic location: 20q11.21.
Variant type: single nucleotide variant.
Coding change: c.2807C>A on transcript NM_015338.6 (MANE Select); coding-DNA position 2807, C replaced by A.
Protein change: p.Thr936Asn; replaces threonine 936 with asparagine.
Molecular consequence: missense variant.
Genome position (GRCh38, 1-based): chr20:32,435,519, C>A. VCF-style: chr20-32435519-C-A. GRCh37 (hg19) VCF-style: chr20-31023322-C-A.
Other names: c.2624C>A, p.Thr875Asn (NM_001363734.1); short protein forms T936N, T875N.
Identifiers: ClinVar variation 4588027 (VCV004588027.1).

ClinVar aggregate classification (germline): Uncertain significance (1 of 4 stars; one submission).

Conditions:
Inborn genetic diseases. Identifiers: MedGen C0950123, MeSH D030342.

Submission:

Ambry Genetics
Classification: Uncertain significance for Inborn genetic diseases. Last evaluated: 2025-10-22. Review status: criteria provided, single submitter. Criteria: Ambry Variant Classification Scheme 2023. Collection method: clinical testing. Allele origin: germline.
Comment: The p.T936N variant (also known as c.2807C>A), located in coding exon 13 of the ASXL1 gene, results from a C to A substitution at nucleotide position 2807. The threonine at codon 936 is replaced by asparagine, an amino acid with similar properties. This amino acid position is conserved. In addition, this alteration is predicted to be tolerated by in silico analysis. Based on the available evidence, the clinical significance of this variant remains unclear.